The following is an entry in ClinVar:

NM_001220.5(CAMK2B):c.1468+6T>C

Gene: CAMK2B (calcium/calmodulin dependent protein kinase II beta; minus strand). Cytogenetic location: 7p13.
Variant type: single nucleotide variant.
Coding change: c.1468+6T>C on transcript NM_001220.5 (MANE Select); 6 bases into the intron after coding-DNA position 1468, T replaced by C.
Molecular consequence: intron variant.
Genome position (GRCh38, 1-based): chr7:44,228,790, A>G on the plus strand (T>C on the coding strand, the complement: CAMK2B is on the minus strand). VCF-style: chr7-44228790-A-G. GRCh37 (hg19) VCF-style: chr7-44268389-A-G.
Other names: c.947-7889T>C (NM_172084.3); c.1150+2216T>C (NM_172080.3); c.1036+2216T>C (NM_172083.3); c.1108+2216T>C (NM_172081.3); c.1153+2216T>C (NM_172079.3, NM_172082.3); c.1225+2216T>C (NM_001293170.2, NM_172078.3).
Identifiers: ClinVar variation 1467391 (VCV001467391.22), dbSNP rs777076470, ClinGen allele CA4240300.

ClinVar aggregate classification (germline): Conflicting classifications of pathogenicity. Review status: criteria provided, conflicting classifications (1 of 4 stars). 2 submissions from 2 submitters: Uncertain significance (1); Likely benign (1). Last evaluated 2025-11-03.

Allele frequency attached by ClinVar (database versions not stated): gnomAD 0.00001; TOPMed 0.00002; gnomAD exomes 0.00004 and 0.00005; ExAC 0.00031.
gnomAD v4.1: 64 of 1,474,292 alleles (0.0043%); highest among the groups gnomAD compares: Non-Finnish European, 0.0048%; no homozygotes.

Submissions (2):

Labcorp Genetics (formerly Invitae), Labcorp
Classification: Uncertain significance. Last evaluated: 2025-11-03. Review status: criteria provided, single submitter. Criteria: Invitae Variant Classification Sherloc (09022015). Collection method: clinical testing. Allele origin: germline.
Comment: This sequence change falls in intron 19 of the CAMK2B gene. It does not directly change the encoded amino acid sequence of the CAMK2B protein. It affects a nucleotide within the consensus splice site. This variant is present in population databases (rs777076470, gnomAD 0.008%). This variant has not been reported in the literature in individuals affected with CAMK2B-related conditions. ClinVar contains an entry for this variant (Variation ID: 1467391). Variants that disrupt the consensus splice site are a relatively common cause of aberrant splicing (PMID: 17576681, 9536098). Algorithms developed to predict the effect of sequence changes on RNA splicing suggest that this variant may disrupt the consensus splice site. In summary, the available evidence is currently insufficient to determine the role of this variant in disease. Therefore, it has been classified as a Variant of Uncertain Significance.

CeGaT Center for Human Genetics Tuebingen
Classification: Likely benign. Last evaluated: 2024-08-01. Review status: criteria provided, single submitter. Criteria: CeGaT Center For Human Genetics Tuebingen Variant Classification Criteria Version 2. Collection method: clinical testing. Allele origin: germline. Affected: yes. Observed: 1 variant allele.
Comment: CAMK2B: BP4

Literature cited by the submitters: PubMed 17576681 (cited by Labcorp Genetics (formerly Invitae), Labcorp); PubMed 9536098 (cited by Labcorp Genetics (formerly Invitae), Labcorp).